The following is an entry in ClinVar:

NM_025179.4(PLXNA2):c.3993C>T (p.Asp1331=)

Gene: PLXNA2 (plexin A2; minus strand). Cytogenetic location: 1q32.2.
Variant type: single nucleotide variant.
Coding change: c.3993C>T on transcript NM_025179.4 (MANE Select); coding-DNA position 3993, C replaced by T.
Protein change: p.Asp1331=; no amino-acid change (aspartic acid 1331 retained).
Molecular consequence: synonymous variant.
Genome position (GRCh38, 1-based): chr1:208,043,085, G>A on the plus strand (C>T on the coding strand, the complement: PLXNA2 is on the minus strand). VCF-style: chr1-208043085-G-A. GRCh37 (hg19) VCF-style: chr1-208216430-G-A.
Identifiers: ClinVar variation 4979478 (VCV004979478.1).

ClinVar aggregate classification (germline): Likely benign (1 of 4 stars; one submission).

Conditions:
PLXNA2-related disorder. Also called: PLXNA2-related condition.

Submission:

PreventionGenetics, part of Exact Sciences
Classification: Likely benign for PLXNA2-related condition. Last evaluated: 2025-01-06. Review status: criteria provided, single submitter. Criteria: ACMG Guidelines, 2015. Collection method: clinical testing. Allele origin: germline.
Comment: This variant is classified as likely benign based on ACMG/AMP sequence variant interpretation guidelines (Richards et al. 2015 PMID: 25741868, with internal and published modifications).